The following is an entry in ClinVar:

NC_000023.10:g.(?_32328189)_(32503226_?)del

Gene: DMD (dystrophin; minus strand). Cytogenetic location: Xp21.1.
Variant type: Deletion.
Identifiers: ClinVar variation 1069569 (VCV001069569.6).

ClinVar aggregate classification (germline): Pathogenic (1 of 4 stars; one submission).

Conditions:
Duchenne muscular dystrophy (DMD). Also called: MUSCULAR DYSTROPHY, PSEUDOHYPERTROPHIC PROGRESSIVE, DUCHENNE TYPE; Duchenne Muscular Dystrophy (DMD). Identifiers: Orphanet 98896, MedGen C0013264, MONDO:0010679, OMIM 310200.

Submission:

Labcorp Genetics (formerly Invitae), Labcorp
Classification: Pathogenic for Duchenne muscular dystrophy. Last evaluated: 2020-07-17. Review status: criteria provided, single submitter. Criteria: Invitae Variant Classification Sherloc (09022015). Collection method: clinical testing. Allele origin: germline.
Comment: For these reasons, this variant has been classified as Pathogenic. The region of the DMD gene that includes exon(s) 40 and exons 26-42 has been determined to be clinically significant (PMID: 21520333, 28116794, Invitae). Therefore, deletions that encompass that region are likely to disrupt protein function and cause disease. This variant has been observed in individual(s) with Duchenne muscular dystrophy (PMID: 19907931). This variant is an in-frame deletion of the genomic region encompassing exon(s) 21-42 of the DMD gene. It preserves the integrity of the reading frame.

Literature cited by the submitters: PubMed 21520333; PubMed 28116794; PubMed 19907931.